The following is an entry in ClinVar:

NM_022168.4(IFIH1):c.2575C>T (p.His859Tyr)

Gene: IFIH1 (interferon induced with helicase C domain 1; minus strand). Cytogenetic location: 2q24.2.
Variant type: single nucleotide variant.
Coding change: c.2575C>T on transcript NM_022168.4 (MANE Select); coding-DNA position 2575, C replaced by T.
Protein change: p.His859Tyr; replaces histidine 859 with tyrosine.
Molecular consequence: missense variant.
Genome position (GRCh38, 1-based): chr2:162,272,267, G>A on the plus strand (C>T on the coding strand, the complement: IFIH1 is on the minus strand). VCF-style: chr2-162272267-G-A. GRCh37 (hg19) VCF-style: chr2-163128777-G-A.
Other names: short protein forms H859Y.
Identifiers: ClinVar variation 4795088 (VCV004795088.1).

ClinVar aggregate classification (germline): Uncertain significance (1 of 4 stars; one submission).

Conditions:
Aicardi-Goutieres syndrome 7 (AGS7). Identifiers: Orphanet 51, MedGen C3888244, MONDO:0014367, OMIM 615846.
Singleton-Merten syndrome 1 (SGMRT1). Also called: Widened medullary cavities of bone, aortic calcification, abnormal dentition, and muscular weakness; Syndrome of widened medullary cavities of the metacarpals and phalanges, aortic calcification and abnormal dentition. Identifiers: Orphanet 85191, MedGen C4225427, MONDO:0024535, OMIM 182250.

gnomAD v4.1: 1 of 1,612,568 alleles (0.000062%); highest among the groups gnomAD compares: South Asian, 0.0011%; no homozygotes.

Submission:

Labcorp Genetics (formerly Invitae), Labcorp
Classification: Uncertain significance for Aicardi-Goutieres syndrome 7; Singleton-Merten syndrome 1. Last evaluated: 2025-04-02. Review status: criteria provided, single submitter. Criteria: Invitae Variant Classification Sherloc (09022015). Collection method: clinical testing. Allele origin: germline.
Comment: This sequence change replaces histidine, which is basic and polar, with tyrosine, which is neutral and polar, at codon 859 of the IFIH1 protein (p.His859Tyr). This variant is not present in population databases (gnomAD no frequency). This variant has not been reported in the literature in individuals affected with IFIH1-related conditions. Invitae Evidence Modeling of protein sequence and biophysical properties (such as structural, functional, and spatial information, amino acid conservation, physicochemical variation, residue mobility, and thermodynamic stability) has been performed for this missense variant. However, the output from this modeling did not meet the statistical confidence thresholds required to predict the impact of this variant on IFIH1 protein function. In summary, the available evidence is currently insufficient to determine the role of this variant in disease. Therefore, it has been classified as a Variant of Uncertain Significance.